The following is an entry in ClinVar:

ClinVar aggregate classification (germline): Uncertain significance (1 of 4 stars; one submission).

Allele frequency attached by ClinVar (database versions not stated): ExAC 0.00001; gnomAD exomes 0.00001 and 0.00002; TOPMed 0.00001; gnomAD 0.00002 and 0.00004; 1000 Genomes Project 30x 0.00047; 1000 Genomes Project 0.00060.
gnomAD v4.1: 22 of 1,614,002 alleles (0.0014%); highest among the groups gnomAD compares: East Asian, 0.016%; no homozygotes.

Submission:

Labcorp Genetics (formerly Invitae), Labcorp
Classification: Uncertain significance. Last evaluated: 2022-09-06. Review status: criteria provided, single submitter. Criteria: Invitae Variant Classification Sherloc (09022015). Collection method: clinical testing. Allele origin: germline.
Comment: In summary, the available evidence is currently insufficient to determine the role of this variant in disease. Therefore, it has been classified as a Variant of Uncertain Significance. Experimental studies and prediction algorithms are not available or were not evaluated, and the functional significance of this variant is currently unknown. ClinVar contains an entry for this variant (Variation ID: 1509506). This variant has not been reported in the literature in individuals affected with ARMC9-related conditions. This variant is present in population databases (rs544009293, gnomAD 0.03%). This sequence change replaces serine, which is neutral and polar, with asparagine, which is neutral and polar, at codon 275 of the ARMC9 protein (p.Ser275Asn).

NM_001352754.2(ARMC9):c.824G>A (p.Ser275Asn)

Gene: ARMC9 (armadillo repeat containing 9; plus strand). Cytogenetic location: 2q37.1.
Variant type: single nucleotide variant.
Coding change: c.824G>A on transcript NM_001352754.2 (MANE Select); coding-DNA position 824, G replaced by A.
Protein change: p.Ser275Asn; replaces serine 275 with asparagine.
Molecular consequence: missense variant. On other transcripts: non-coding transcript variant (1), intron variant (2).
Genome position (GRCh38, 1-based): chr2:231,239,986, G>A. VCF-style: chr2-231239986-G-A. GRCh37 (hg19) VCF-style: chr2-232104699-G-A.
Other names: c.824G>A, p.Ser275Asn (NM_001271466.4, NM_001291656.2, NM_001352755.2 and 3 more transcripts); c.780+4605G>A (NM_001352757.2, NM_001352758.2); short protein forms S275N.
Identifiers: ClinVar variation 1509506 (VCV001509506.5), dbSNP rs544009293, ClinGen allele CA2160061.
Genomic context (GRCh38, chr2:231,239,986, plus strand): 5'-TTGTATCCTCCTTGCAGATCACCCCTGAGTACCTCCAGAGCGTCTGTGTCCGCCTGTTCA[G>A]TAACCAGATGCGGCAGAGCCTGGCGCATAGTGTGGACTTCACGAGGCCTGGGACGGTGAG-3'
Protein context (NP_001339683.2, residues 265-285): YLQSVCVRLF[Ser275Asn]NQMRQSLAHS